The following is an entry in ClinVar:

ClinVar aggregate classification (germline): Uncertain significance (1 of 4 stars; one submission).

Conditions:
Psoriasis 2. Identifiers: MedGen C1864497, MONDO:0011269, OMIM 602723.
Pityriasis rubra pilaris (PRP). Also called: Pityriasis rubra pilaris--familial type. Identifiers: Orphanet 2897, MedGen C0032027, MONDO:0100017, OMIM 173200, MONDO:0008251.

Allele frequency attached by ClinVar (database versions not stated): gnomAD exomes below 0.00001.
gnomAD v4.1: 1 of 1,566,436 alleles (0.000064%); highest among the groups gnomAD compares: African/African-American, 0.0014%; no homozygotes.

Submission:

Labcorp Genetics (formerly Invitae), Labcorp
Classification: Uncertain significance for Pityriasis rubra pilaris; Psoriasis 2. Last evaluated: 2022-11-20. Review status: criteria provided, single submitter. Criteria: Invitae Variant Classification Sherloc (09022015). Collection method: clinical testing. Allele origin: germline.
Comment: This sequence change replaces glycine, which is neutral and non-polar, with arginine, which is basic and polar, at codon 2 of the CARD14 protein (p.Gly2Arg). This variant is not present in population databases (gnomAD no frequency). This variant has not been reported in the literature in individuals affected with CARD14-related conditions. Algorithms developed to predict the effect of missense changes on protein structure and function are either unavailable or do not agree on the potential impact of this missense change (SIFT: "Deleterious"; PolyPhen-2: "Benign"; Align-GVGD: "Class C15"). In summary, the available evidence is currently insufficient to determine the role of this variant in disease. Therefore, it has been classified as a Variant of Uncertain Significance.

NM_001366385.1(CARD14):c.4G>A (p.Gly2Arg)

Gene: CARD14 (caspase recruitment domain family member 14; plus strand). Cytogenetic location: 17q25.3.
Variant type: single nucleotide variant.
Coding change: c.4G>A on transcript NM_001366385.1 (MANE Select); coding-DNA position 4, G replaced by A.
Protein change: p.Gly2Arg; replaces glycine 2 with arginine.
Molecular consequence: missense variant. On other transcripts: non-coding transcript variant (1).
Genome position (GRCh38, 1-based): chr17:80,181,442, G>A. VCF-style: chr17-80181442-G-A. GRCh37 (hg19) VCF-style: chr17-78155241-G-A.
Other names: c.4G>A, p.Gly2Arg (NM_001257970.1, NM_024110.4); short protein forms G2R.
Identifiers: ClinVar variation 2939623 (VCV002939623.3), dbSNP rs2040170988, ClinGen allele CA401352773.